The following is an entry in ClinVar:

ClinVar aggregate classification (germline): Conflicting classifications of pathogenicity. Review status: criteria provided, conflicting classifications (1 of 4 stars). 8 submissions from 6 submitters: Uncertain significance (3); Likely benign (5). Last evaluated 2026-01-20.

Conditions:
RYR1-related disorder. Also called: RYR1-related condition; RYR1-related disorders. Identifiers: MedGen CN239331.
Congenital multicore myopathy with external ophthalmoplegia (CMYO1B). Also called: Congenital myopathy 1B, autosomal recessive; Minicore myopathy; MULTICORE MYOPATHY; Minicore myopathy with external ophthalmoplegia; MULTIMINICORE DISEASE WITH EXTERNAL OPHTHALMOPLEGIA. Identifiers: Orphanet 598, Orphanet 98905, MedGen C1850674, MONDO:0009712, OMIM 255320, HP:0003789.
Central core myopathy (CMYO1A). Also called: CONGENITAL MYOPATHY 1A, AUTOSOMAL DOMINANT, WITH SUSCEPTIBILITY TO MALIGNANT HYPERTHERMIA; Central core disease; Myopathy, central fibrillar. Identifiers: Orphanet 597, MedGen C5830701, MONDO:0007294, OMIM 117000.
Malignant hyperthermia, susceptibility to, 1 (MHS1). Also called: RYR1-Related Malignant Hyperthermia Susceptibility; Anesthesia related hyperthermia; Malignant hyperpyrexia; Fulminating hyperpyrexia; Pharmacogenic myopathy; Malignant hyperthermia suceptibility 1. Identifiers: Orphanet 423, MedGen C2930980, MONDO:0007783, OMIM 145600.

Allele frequency attached by ClinVar (database versions not stated): TOPMed 0.00002; ESP Exome Variant Server 0.00015.
gnomAD v4.1: 50 of 1,613,772 alleles (0.0031%); highest among the groups gnomAD compares: Admixed American, 0.0083%; no homozygotes.

Submissions (8):

Labcorp Genetics (formerly Invitae), Labcorp
Classification: Likely benign for RYR1-related disorder. Last evaluated: 2026-01-20. Review status: criteria provided, single submitter. Criteria: Invitae Variant Classification Sherloc (09022015). Collection method: clinical testing. Allele origin: germline.

Blueprint Genetics
Classification: Likely benign. Last evaluated: 2024-07-30. Review status: criteria provided, single submitter. Criteria: ACMG Guidelines, 2015. Collection method: clinical testing. Allele origin: germline.

All of Us Research Program, National Institutes of Health
Classification: Likely benign for Malignant hyperthermia, susceptibility to, 1. Last evaluated: 2024-01-03. Review status: criteria provided, single submitter. Criteria: ACMG Guidelines, 2015. Collection method: clinical testing. Allele origin: germline. Inheritance: Autosomal dominant inheritance. Observed: 7 variant alleles, 7 heterozygotes.
Comment: This study involves interpretation of variants in research participants for the purpose of population health screening. Participant phenotype was not available at the time of variant classification. Additional details can be found in publication PMID: 35346344, PMCID: PMC8962531

Color Diagnostics, LLC DBA Color Health
Classification: Likely benign for Malignant hyperthermia, susceptibility to, 1. Last evaluated: 2022-11-06. Review status: criteria provided, single submitter. Criteria: ACMG Guidelines, 2015. Collection method: clinical testing. Allele origin: germline.

Illumina Laboratory Services, Illumina
Classification: Uncertain significance for Central core myopathy. Last evaluated: 2018-01-13. Review status: criteria provided, single submitter. Criteria: ICSL Variant Classification Criteria 13 December 2019. Collection method: clinical testing. Allele origin: germline.

Illumina Laboratory Services, Illumina
Classification: Uncertain significance for Malignant hyperthermia, susceptibility to, 1. Last evaluated: 2018-01-13. Review status: criteria provided, single submitter. Criteria: ICSL Variant Classification Criteria 13 December 2019. Collection method: clinical testing. Allele origin: germline.

Illumina Laboratory Services, Illumina
Classification: Uncertain significance for Congenital multicore myopathy with external ophthalmoplegia. Last evaluated: 2018-01-13. Review status: criteria provided, single submitter. Criteria: ICSL Variant Classification Criteria 13 December 2019. Collection method: clinical testing. Allele origin: germline.

PreventionGenetics, part of Exact Sciences
Classification: Likely benign. Review status: criteria provided, single submitter. Criteria: ACMG Guidelines, 2015. Collection method: clinical testing. Allele origin: germline.

NM_000540.3(RYR1):c.4269C>G (p.Pro1423=)

Gene: RYR1 (ryanodine receptor 1; plus strand). Cytogenetic location: 19q13.2.
Variant type: single nucleotide variant.
Coding change: c.4269C>G on transcript NM_000540.3 (MANE Select); coding-DNA position 4269, C replaced by G.
Protein change: p.Pro1423=; no amino-acid change (proline 1423 retained).
Molecular consequence: synonymous variant.
Genome position (GRCh38, 1-based): chr19:38,475,426, C>G. VCF-style: chr19-38475426-C-G. GRCh37 (hg19) VCF-style: chr19-38966066-C-G.
Other names: c.4269C>G, p.Pro1423= (NM_001042723.2).
Identifiers: ClinVar variation 256505 (VCV000256505.17), dbSNP rs2229141, ClinGen allele CA065808.
Genomic context (GRCh38, chr19:38,475,426, plus strand): 5'-CACCCCCACGCTGCCCCGACTCCCTCACGACGTGGTGCCTGCAGACAACCGCGATGACCC[C>G]GAGATCATCCTCAACACCACCACGGTGTGGACCAGTAACCCTCAATTTTGGGGTCCCCCC-3'
Protein context (NP_000531.2, residues 1413-1433): DVVPADNRDD[Pro1423=]EIILNTTTYY